The following is an entry in ClinVar:

ClinVar aggregate classification (germline): Uncertain significance (1 of 4 stars; one submission).

Conditions:
SEMA3D-related disorder. Also called: SEMA3D-related condition.

gnomAD v4.1: 2 of 1,613,152 alleles (0.00012%); highest among the groups gnomAD compares: African/African-American, 0.0027%; no homozygotes.

Submission:

PreventionGenetics, part of Exact Sciences
Classification: Uncertain significance for SEMA3D-related condition. Last evaluated: 2026-05-21. Review status: criteria provided, single submitter. Criteria: ACMG Guidelines, 2015. Collection method: clinical testing. Allele origin: germline.
Comment: The SEMA3D c.671A>G variant is predicted to result in the amino acid substitution p.Asp224Gly. To our knowledge, this variant has not been reported in the literature. This variant is reported in 0.0062% of alleles in individuals of African descent in gnomAD. At this time, the clinical significance of this variant is uncertain due to the absence of conclusive functional and genetic evidence.

NM_001384900.1(SEMA3D):c.671A>G (p.Asp224Gly)

Gene: SEMA3D (semaphorin 3D; minus strand). Cytogenetic location: 7q21.11.
Variant type: single nucleotide variant.
Coding change: c.671A>G on transcript NM_001384900.1 (MANE Select); coding-DNA position 671, A replaced by G.
Protein change: p.Asp224Gly; replaces aspartic acid 224 with glycine.
Molecular consequence: missense variant.
Genome position (GRCh38, 1-based): chr7:85,065,471, T>C on the plus strand (A>G on the coding strand, the complement: SEMA3D is on the minus strand). VCF-style: chr7-85065471-T-C. GRCh37 (hg19) VCF-style: chr7-84694787-T-C.
Other names: c.671A>G, p.Asp224Gly (NM_001384901.1, NM_001384902.1, NM_001384903.1 and 1 more transcripts); short protein forms D224G.
Identifiers: ClinVar variation 4991440 (VCV004991440.1).
Genomic context (GRCh38, chr7:85,065,471, plus strand): 5'-AAAAATCACAAACCATTGAGCCAGTAGTGCTCTGAAATGTCAGTTCTGATGTAGTGGTGG[T>C]CATGAGTAGGCCCAAGGGATCGAGTGAATGCAGTATCTTTGCCAAGGAAATCAGAAGCTG-3'
Protein context (NP_001371829.1, residues 214-234): AFTRSLGPTH[Asp224Gly]HHYIRTDISE